The following is an entry in ClinVar:

NM_001735.3(C5):c.4073C>T (p.Thr1358Ile)

Gene: C5 (complement C5; minus strand). Cytogenetic location: 9q33.2.
Variant type: single nucleotide variant.
Coding change: c.4073C>T on transcript NM_001735.3 (MANE Select); coding-DNA position 4073, C replaced by T.
Protein change: p.Thr1358Ile; replaces threonine 1358 with isoleucine.
Molecular consequence: missense variant.
Genome position (GRCh38, 1-based): chr9:120,971,937, G>A on the plus strand (C>T on the coding strand, the complement: C5 is on the minus strand). VCF-style: chr9-120971937-G-A. GRCh37 (hg19) VCF-style: chr9-123734215-G-A.
Other names: c.4091C>T, p.Thr1364Ile (NM_001317163.2); short protein forms T1358I, T1364I.
Identifiers: ClinVar variation 1496982 (VCV001496982.8), dbSNP rs2131683520, ClinGen allele CA374753049.
Genomic context (GRCh38, chr9:120,971,937, plus strand): 5'-ACCTAGTACAAATGGACACATAACTCGTTATTGGATATCAATTAAATACTTACATGTACT[G>A]TAGCCAAGCCACTGCCAAATCCTGTACTGACAATGAGGTCATCATTGAGAAGCACCTGGA-3'
Protein context (NP_001726.2, residues 1348-1368): VSTGFGSGLA[Thr1358Ile]VHVTTVVHKT

ClinVar aggregate classification (germline): Uncertain significance (1 of 4 stars; one submission).

Submission:

Labcorp Genetics (formerly Invitae), Labcorp
Classification: Uncertain significance. Last evaluated: 2022-07-05. Review status: criteria provided, single submitter. Criteria: Invitae Variant Classification Sherloc (09022015). Collection method: clinical testing. Allele origin: germline.
Comment: ClinVar contains an entry for this variant (Variation ID: 1496982). This variant has not been reported in the literature in individuals affected with C5-related conditions. This variant is not present in population databases (gnomAD no frequency). This sequence change replaces threonine, which is neutral and polar, with isoleucine, which is neutral and non-polar, at codon 1358 of the C5 protein (p.Thr1358Ile). In summary, the available evidence is currently insufficient to determine the role of this variant in disease. Therefore, it has been classified as a Variant of Uncertain Significance. Algorithms developed to predict the effect of missense changes on protein structure and function (SIFT, PolyPhen-2, Align-GVGD) all suggest that this variant is likely to be tolerated.